The following is an entry in ClinVar:

ClinVar aggregate classification (germline): Uncertain significance. Review status: criteria provided, multiple submitters, no conflicts (2 of 4 stars). 5 submissions from 3 submitters: Uncertain significance (5). Last evaluated 2023-02-08.

Conditions:
Spinocerebellar ataxia, autosomal recessive, with axonal neuropathy 2 (SCAN2). Also called: Ataxia with Oculomotor Apraxia; Ataxia-ocular apraxia-2; ATAXIA-OCULOMOTOR APRAXIA 2; Ataxia with Oculomotor Apraxia Type 2. Identifiers: Orphanet 64753, MedGen C1853761, MONDO:0018996, OMIM 606002.
Amyotrophic lateral sclerosis type 4 (ALS4). Also called: AMYOTROPHIC LATERAL SCLEROSIS 4, JUVENILE; NEURONOPATHY, DISTAL HEREDITARY MOTOR, WITH PYRAMIDAL FEATURES. Identifiers: Orphanet 357043, MedGen C1865409, MONDO:0011223, OMIM 602433.

gnomAD v4.1: 4 of 1,609,534 alleles (0.00025%); highest among the groups gnomAD compares: Non-Finnish European, 0.00034%; no homozygotes.

Submissions (5):

Genome-Nilou Lab
Classification: Uncertain significance for Spinocerebellar ataxia, autosomal recessive, with axonal neuropathy 2. Last evaluated: 2023-02-08. Review status: criteria provided, single submitter. Criteria: ACMG Guidelines, 2015. Collection method: clinical testing. Allele origin: germline.

Genome-Nilou Lab
Classification: Uncertain significance for Amyotrophic lateral sclerosis type 4. Last evaluated: 2023-02-08. Review status: criteria provided, single submitter. Criteria: ACMG Guidelines, 2015. Collection method: clinical testing. Allele origin: germline.

Labcorp Genetics (formerly Invitae), Labcorp
Classification: Uncertain significance for Amyotrophic lateral sclerosis type 4; Spinocerebellar ataxia, autosomal recessive, with axonal neuropathy 2. Last evaluated: 2019-03-25. Review status: criteria provided, single submitter. Criteria: Invitae Variant Classification Sherloc (09022015). Collection method: clinical testing. Allele origin: germline.
Comment: This sequence change replaces proline with serine at codon 845 of the SETX protein (p.Pro845Ser). The proline residue is weakly conserved and there is a moderate physicochemical difference between proline and serine. This variant is not present in population databases (ExAC no frequency). This variant has not been reported in the literature in individuals with SETX-related conditions. Algorithms developed to predict the effect of missense changes on protein structure and function output the following: SIFT: "Tolerated"; PolyPhen-2: "Benign"; Align-GVGD: "Class C0". The serine amino acid residue is found in multiple mammalian species, suggesting that this missense change does not adversely affect protein function. These predictions have not been confirmed by published functional studies and their clinical significance is uncertain. In summary, the available evidence is currently insufficient to determine the role of this variant in disease. Therefore, it has been classified as a Variant of Uncertain Significance.

Illumina Laboratory Services, Illumina
Classification: Uncertain significance for Spinocerebellar ataxia, autosomal recessive, with axonal neuropathy 2. Last evaluated: 2018-01-12. Review status: criteria provided, single submitter. Criteria: ICSL Variant Classification Criteria 13 December 2019. Collection method: clinical testing. Allele origin: germline.

Illumina Laboratory Services, Illumina
Classification: Uncertain significance for Amyotrophic lateral sclerosis type 4. Last evaluated: 2018-01-12. Review status: criteria provided, single submitter. Criteria: ICSL Variant Classification Criteria 13 December 2019. Collection method: clinical testing. Allele origin: germline.

NM_015046.7(SETX):c.2533C>T (p.Pro845Ser)

Gene: SETX (senataxin; minus strand). Cytogenetic location: 9q34.13.
Variant type: single nucleotide variant.
Coding change: c.2533C>T on transcript NM_015046.7 (MANE Select); coding-DNA position 2533, C replaced by T.
Protein change: p.Pro845Ser; replaces proline 845 with serine.
Molecular consequence: missense variant.
Genome position (GRCh38, 1-based): chr9:132,329,065, G>A on the plus strand (C>T on the coding strand, the complement: SETX is on the minus strand). VCF-style: chr9-132329065-G-A. GRCh37 (hg19) VCF-style: chr9-135204452-G-A.
Other names: c.2533C>T, p.Pro845Ser (NM_001351527.2, NM_001351528.2); short protein forms P845S.
Identifiers: ClinVar variation 859344 (VCV000859344.14), dbSNP rs1847046317, ClinGen allele CA375335543.
Genomic context (GRCh38, chr9:132,329,065, plus strand): 5'-TTGGCAATACATTGTTTTGAGATTTTTGTTCTCCATTCTTATCATCCAGAACACCACTAG[G>A]GTCTAAAGAAAGATTGTGTATGAAACCATCTCCTTTCTGAACTCCTGTATCTTTCCTTGA-3'
Protein context (NP_055861.3, residues 835-855): DGFIHNLSLD[Pro845Ser]SGVLDDKNGE